The following is an entry in ClinVar:

NM_001191057.4(PDE1C):c.2001C>T (p.Tyr667=)

Gene: PDE1C (phosphodiesterase 1C; minus strand). Cytogenetic location: 7p14.3.
Variant type: single nucleotide variant.
Coding change: c.2001C>T on transcript NM_001191057.4 (MANE Select); coding-DNA position 2001, C replaced by T.
Protein change: p.Tyr667=; no amino-acid change (tyrosine 667 retained).
Molecular consequence: synonymous variant.
Genome position (GRCh38, 1-based): chr7:31,753,513, G>A on the plus strand (C>T on the coding strand, the complement: PDE1C is on the minus strand). VCF-style: chr7-31753513-G-A. GRCh37 (hg19) VCF-style: chr7-31793127-G-A.
Other names: c.2181C>T, p.Tyr727= (NM_001191058.4); c.2001C>T, p.Tyr667= (NM_001191059.4, NM_001322055.2).
Identifiers: ClinVar variation 3054164 (VCV003054164.2), dbSNP rs758777524, ClinGen allele CA4210631.

ClinVar aggregate classification (germline): Likely benign (0 of 4 stars; one submission).

Conditions:
PDE1C-related disorder. Also called: PDE1C-related condition.

Allele frequency attached by ClinVar (database versions not stated): gnomAD 0.00003; TOPMed 0.00010; ExAC 0.00012.
gnomAD v4.1: 105 of 1,611,550 alleles (0.0065%); highest among the groups gnomAD compares: Admixed American, 0.089%; no homozygotes.

Submission:

PreventionGenetics, part of Exact Sciences
Classification: Likely benign for PDE1C-related condition. Last evaluated: 2020-08-19. Review status: no assertion criteria provided. Collection method: clinical testing. Allele origin: germline.
Comment: This variant is classified as likely benign based on ACMG/AMP sequence variant interpretation guidelines (Richards et al. 2015 PMID: 25741868, with internal and published modifications).